The following is an entry in ClinVar:

ClinVar aggregate classification (germline): Uncertain significance (1 of 4 stars; one submission).

Allele frequency attached by ClinVar (database versions not stated): gnomAD exomes below 0.00001.
gnomAD v4.1: 1 of 1,613,958 alleles (0.000062%); highest among the groups gnomAD compares: Non-Finnish European, 0.000085%; no homozygotes.

Submission:

GeneDx
Classification: Uncertain significance. Last evaluated: 2017-07-17. Review status: criteria provided, single submitter. Criteria: GeneDx Variant Classification (06012015). Collection method: clinical testing. Allele origin: germline. Affected: yes.
Comment: The L300P variant has not been published as a pathogenic variant, nor has it been reported as a benign variant to our knowledge. The L300P variant is not observed in large population cohorts (Lek et al., 2016; 1000 Genomes Consortium et al., 2015; Exome Variant Server). The L300P variant is a semi-conservative amino acid substitution, which may impact secondary protein structure as these residues differ in some properties. This substitution occurs at a position that is conserved across species, and in silico analysis predicts this variant is probably damaging to the protein structure/function. In summary, based on the currently available information, it is unclear whether this variant is a pathogenic variant or a rare benign variant.

NM_017909.4(RMND1):c.899T>C (p.Leu300Pro)

Gene: RMND1 (required for meiotic nuclear division 1 homolog; minus strand). Cytogenetic location: 6q25.1.
Variant type: single nucleotide variant.
Coding change: c.899T>C on transcript NM_017909.4 (MANE Select); coding-DNA position 899, T replaced by C.
Protein change: p.Leu300Pro; replaces leucine 300 with proline.
Molecular consequence: missense variant.
Genome position (GRCh38, 1-based): chr6:151,423,563, A>G on the plus strand (T>C on the coding strand, the complement: RMND1 is on the minus strand). VCF-style: chr6-151423563-A-G. GRCh37 (hg19) VCF-style: chr6-151744698-A-G.
Other names: c.389T>C, p.Leu130Pro (NM_001271937.2); short protein forms L300P, L130P.
Identifiers: ClinVar variation 450643 (VCV000450643.2), dbSNP rs1554344088, ClinGen allele CA366060618.
Genomic context (GRCh38, chr6:151,423,563, plus strand): 5'-CCCATAAGCAGTAGTAACTTACCAGAAAGGCATAGAGCATTGGAGAAAGCAAACTTCTCT[A>G]GAATGGCATCATCTAAATCCAGCTCTGAATTTAACTTGATTTCCCCCCTGTGAAGTTTTG-3'
Protein context (NP_060379.2, residues 290-310): NSELDLDDAI[Leu300Pro]EKFAFSNALC